The following is an entry in ClinVar:

NM_021828.5(HPSE2):c.710A>G (p.Asn237Ser)

Gene: HPSE2 (heparanase 2 (inactive); minus strand). Cytogenetic location: 10q24.2.
Variant type: single nucleotide variant.
Coding change: c.710A>G on transcript NM_021828.5 (MANE Select); coding-DNA position 710, A replaced by G.
Protein change: p.Asn237Ser; replaces asparagine 237 with serine.
Molecular consequence: missense variant. On other transcripts: intron variant (2).
Genome position (GRCh38, 1-based): chr10:98,743,957, T>C on the plus strand (A>G on the coding strand, the complement: HPSE2 is on the minus strand). VCF-style: chr10-98743957-T-C. GRCh37 (hg19) VCF-style: chr10-100503714-T-C.
Other names: c.710A>G, p.Asn237Ser (NM_001166246.1); c.449-22129A>G (NM_001166245.1); c.611-22129A>G (NM_001166244.1); c.710A>G (NM_021828.4); short protein forms N237S.
Identifiers: ClinVar variation 1913475 (VCV001913475.6), dbSNP rs1418363244, ClinGen allele CA378248148.
Genomic context (GRCh38, chr10:98,743,957, plus strand): 5'-CAAGAAATGTTGTACTTTTTGCTGGCGCTGTACTTCAACAGACTCAGGGCACTAGAACTG[T>C]TCCAGGAGTTATTGGGATTACGACGCAGTGCATTTAGAGCAAATATCAGGTGGAGTCCAG-3'
Protein context (NP_068600.4, residues 227-247): ALRRNPNNSW[Asn237Ser]SSSALSLLKY

ClinVar aggregate classification (germline): Uncertain significance. Review status: criteria provided, multiple submitters, no conflicts (2 of 4 stars). 2 submissions from 2 submitters: Uncertain significance (2). Last evaluated 2025-10-08.

Conditions:
Inborn genetic diseases. Identifiers: MedGen C0950123, MeSH D030342.

Allele frequency attached by ClinVar (database versions not stated): gnomAD exomes below 0.00001; TOPMed below 0.00001.
gnomAD v4.1: 3 of 1,614,128 alleles (0.00019%); highest among the groups gnomAD compares: Non-Finnish European, 0.00017%; no homozygotes.

Submissions (2):

Ambry Genetics
Classification: Uncertain significance for Inborn genetic diseases. Last evaluated: 2025-10-08. Review status: criteria provided, single submitter. Criteria: Ambry Variant Classification Scheme 2023. Collection method: clinical testing. Allele origin: germline.

Labcorp Genetics (formerly Invitae), Labcorp
Classification: Uncertain significance. Last evaluated: 2024-10-15. Review status: criteria provided, single submitter. Criteria: Invitae Variant Classification Sherloc (09022015). Collection method: clinical testing. Allele origin: germline.
Comment: This sequence change replaces asparagine, which is neutral and polar, with serine, which is neutral and polar, at codon 237 of the HPSE2 protein (p.Asn237Ser). This variant is present in population databases (no rsID available, gnomAD 0.0009%). This variant has not been reported in the literature in individuals affected with HPSE2-related conditions. ClinVar contains an entry for this variant (Variation ID: 1913475). An algorithm developed to predict the effect of missense changes on protein structure and function (PolyPhen-2) suggests that this variant is likely to be disruptive. In summary, the available evidence is currently insufficient to determine the role of this variant in disease. Therefore, it has been classified as a Variant of Uncertain Significance.